The following is an entry in ClinVar:

NM_015164.4(PLEKHM2):c.1379C>T (p.Ala460Val)

Gene: PLEKHM2 (pleckstrin homology and RUN domain containing M2; plus strand). Cytogenetic location: 1p36.21.
Variant type: single nucleotide variant.
Coding change: c.1379C>T on transcript NM_015164.4 (MANE Select); coding-DNA position 1379, C replaced by T.
Protein change: p.Ala460Val; replaces alanine 460 with valine.
Molecular consequence: missense variant.
Genome position (GRCh38, 1-based): chr1:15,727,451, C>T. VCF-style: chr1-15727451-C-T. GRCh37 (hg19) VCF-style: chr1-16053946-C-T.
Other names: short protein forms A460V.
Identifiers: ClinVar variation 666078 (VCV000666078.10), dbSNP rs1242744565, ClinGen allele CA338586962.

ClinVar aggregate classification (germline): Uncertain significance (1 of 4 stars; one submission).

Allele frequency attached by ClinVar (database versions not stated): gnomAD exomes below 0.00001; gnomAD 0.00001; TOPMed 0.00001.
gnomAD v4.1: 2 of 1,604,822 alleles (0.00012%); highest among the groups gnomAD compares: South Asian, 0.0011%; no homozygotes.

Submission:

Labcorp Genetics (formerly Invitae), Labcorp
Classification: Uncertain significance. Last evaluated: 2024-01-02. Review status: criteria provided, single submitter. Criteria: Invitae Variant Classification Sherloc (09022015). Collection method: clinical testing. Allele origin: germline.
Comment: This sequence change replaces alanine, which is neutral and non-polar, with valine, which is neutral and non-polar, at codon 460 of the PLEKHM2 protein (p.Ala460Val). This variant is not present in population databases (gnomAD no frequency). This variant has not been reported in the literature in individuals affected with PLEKHM2-related conditions. ClinVar contains an entry for this variant (Variation ID: 666078). An algorithm developed to predict the effect of missense changes on protein structure and function (PolyPhen-2) suggests that this variant is likely to be disruptive. In summary, the available evidence is currently insufficient to determine the role of this variant in disease. Therefore, it has been classified as a Variant of Uncertain Significance.